The following is an entry in ClinVar:

NM_005677.4(COLQ):c.874C>T (p.Leu292Phe)

Gene: COLQ (collagen like tail subunit of asymmetric acetylcholinesterase; minus strand). Cytogenetic location: 3p25.1.
Variant type: single nucleotide variant.
Coding change: c.874C>T on transcript NM_005677.4 (MANE Select); coding-DNA position 874, C replaced by T.
Protein change: p.Leu292Phe; replaces leucine 292 with phenylalanine.
Molecular consequence: missense variant.
Genome position (GRCh38, 1-based): chr3:15,458,266, G>A on the plus strand (C>T on the coding strand, the complement: COLQ is on the minus strand). VCF-style: chr3-15458266-G-A. GRCh37 (hg19) VCF-style: chr3-15499773-G-A.
Other names: c.844C>T, p.Leu282Phe (NM_080538.2); c.772C>T, p.Leu258Phe (NM_080539.4); short protein forms L258F, L282F, L292F.
Identifiers: ClinVar variation 856469 (VCV000856469.1), dbSNP rs2062053361, ClinGen allele CA351597361.

ClinVar aggregate classification (germline): Uncertain significance (1 of 4 stars; one submission).

Conditions:
Congenital myasthenic syndrome 5. Identifiers: Orphanet 590, MedGen C1864233, MONDO:0011281, OMIM 603034.

Submission:

Labcorp Genetics (formerly Invitae), Labcorp
Classification: Uncertain significance for Endplate acetylcholinesterase deficiency. Last evaluated: 2019-04-15. Review status: criteria provided, single submitter. Criteria: Invitae Variant Classification Sherloc (09022015). Collection method: clinical testing. Allele origin: germline.
Comment: This sequence change replaces leucine with phenylalanine at codon 292 of the COLQ protein (p.Leu292Phe). The leucine residue is moderately conserved and there is a small physicochemical difference between leucine and phenylalanine. This variant is not present in population databases (ExAC no frequency). This variant has not been reported in the literature in individuals with COLQ-related conditions. Algorithms developed to predict the effect of missense changes on protein structure and function are either unavailable or do not agree on the potential impact of this missense change (SIFT: "Tolerated"; PolyPhen-2: "Not Available"; Align-GVGD: "Class C0"). In summary, the available evidence is currently insufficient to determine the role of this variant in disease. Therefore, it has been classified as a Variant of Uncertain Significance.